The following is an entry in ClinVar:

ClinVar aggregate classification (germline): Uncertain significance (1 of 4 stars; one submission).

Allele frequency attached by ClinVar (database versions not stated): gnomAD exomes below 0.00001; gnomAD 0.00001.
gnomAD v4.1: 5 of 1,611,264 alleles (0.00031%); no homozygotes.

Submission:

Labcorp Genetics (formerly Invitae), Labcorp
Classification: Uncertain significance. Last evaluated: 2024-07-13. Review status: criteria provided, single submitter. Criteria: Invitae Variant Classification Sherloc (09022015). Collection method: clinical testing. Allele origin: germline.
Comment: This sequence change replaces lysine, which is basic and polar, with arginine, which is basic and polar, at codon 346 of the C1S protein (p.Lys346Arg). This variant is present in population databases (no rsID available, gnomAD 0.01%). This variant has not been reported in the literature in individuals affected with C1S-related conditions. Advanced modeling of protein sequence and biophysical properties (such as structural, functional, and spatial information, amino acid conservation, physicochemical variation, residue mobility, and thermodynamic stability) performed at Invitae indicates that this missense variant is not expected to disrupt C1S protein function with a negative predictive value of 80%. In summary, the available evidence is currently insufficient to determine the role of this variant in disease. Therefore, it has been classified as a Variant of Uncertain Significance.

NM_001734.5(C1S):c.1037A>G (p.Lys346Arg)

Gene: C1S (complement C1s; plus strand). Cytogenetic location: 12p13.31.
Variant type: single nucleotide variant.
Coding change: c.1037A>G on transcript NM_001734.5 (MANE Select); coding-DNA position 1037, A replaced by G.
Protein change: p.Lys346Arg; replaces lysine 346 with arginine.
Molecular consequence: missense variant.
Genome position (GRCh38, 1-based): chr12:7,067,088, A>G. VCF-style: chr12-7067088-A-G. GRCh37 (hg19) VCF-style: chr12-7174392-A-G.
Other names: c.1037A>G, p.Lys346Arg (NM_201442.4); c.536A>G, p.Lys179Arg (NM_001346850.2); short protein forms K179R, K346R.
Identifiers: ClinVar variation 2994205 (VCV002994205.3), dbSNP rs1555162394, ClinGen allele CA383700119.